The following is an entry in ClinVar:

ClinVar aggregate classification (germline): Uncertain significance (1 of 4 stars; one submission).

Submission:

GeneDx
Classification: Uncertain significance. Last evaluated: 2024-06-06. Review status: criteria provided, single submitter. Criteria: GeneDx Variant Classification Process June 2021. Collection method: clinical testing. Allele origin: germline. Affected: yes.
Comment: Not observed at significant frequency in large population cohorts (gnomAD); In silico analysis supports that this missense variant has a deleterious effect on protein structure/function; Has not been previously published as pathogenic or benign to our knowledge

NM_001148.6(ANK2):c.1013T>C (p.Met338Thr)

Gene: ANK2 (ankyrin 2; plus strand). Cytogenetic location: 4q26.
Variant type: single nucleotide variant.
Coding change: c.1013T>C on transcript NM_001148.6 (MANE Select); coding-DNA position 1013, T replaced by C.
Protein change: p.Met338Thr; replaces methionine 338 with threonine.
Molecular consequence: missense variant.
Genome position (GRCh38, 1-based): chr4:113,255,757, T>C. VCF-style: chr4-113255757-T-C. GRCh37 (hg19) VCF-style: chr4-114176913-T-C.
Other names: c.950T>C, p.Met317Thr (NM_001127493.3, NM_001354239.2, NM_001354243.2 and 14 more transcripts); c.1013T>C, p.Met338Thr (NM_001354225.2, NM_001354228.2, NM_001354232.2 and 9 more transcripts); c.1058T>C, p.Met353Thr (NM_001354230.2, NM_001354231.2, NM_001354237.2 and 5 more transcripts); c.926T>C, p.Met309Thr (NM_001354249.2, NM_001354260.2, NM_001354264.2 and 16 more transcripts); c.971T>C, p.Met324Thr (NM_001354261.2, NM_001386147.1, NM_001386160.1); c.1001T>C, p.Met334Thr (NM_001354269.3, NM_001386148.2, NM_001386186.2); c.1064T>C, p.Met355Thr (NM_001386174.1); c.1040T>C, p.Met347Thr (NM_001386175.1); and 1 more; short protein forms M309T, M317T, M324T, M326T, M334T, M338T, M347T, M353T.
Identifiers: ClinVar variation 3391551 (VCV003391551.1).